The following is an entry in ClinVar:

ClinVar aggregate classification (germline): Uncertain significance (1 of 4 stars; one submission).

Allele frequency attached by ClinVar (database versions not stated): gnomAD exomes below 0.00001 and 0.00001; TOPMed 0.00001.
gnomAD v4.1: 3 of 1,541,666 alleles (0.00019%); highest among the groups gnomAD compares: Admixed American, 0.0059%; no homozygotes.

Submission:

Labcorp Genetics (formerly Invitae), Labcorp
Classification: Uncertain significance. Last evaluated: 2022-08-19. Review status: criteria provided, single submitter. Criteria: Invitae Variant Classification Sherloc (09022015). Collection method: clinical testing. Allele origin: germline.
Comment: This sequence change replaces serine, which is neutral and polar, with phenylalanine, which is neutral and non-polar, at codon 2277 of the EYS protein (p.Ser2277Phe). This variant is present in population databases (no rsID available, gnomAD 0.01%). This variant has not been reported in the literature in individuals affected with EYS-related conditions. ClinVar contains an entry for this variant (Variation ID: 1347015). Algorithms developed to predict the effect of missense changes on protein structure and function are either unavailable or do not agree on the potential impact of this missense change (SIFT: "Tolerated"; PolyPhen-2: "Possibly Damaging"; Align-GVGD: "Class C0"). In summary, the available evidence is currently insufficient to determine the role of this variant in disease. Therefore, it has been classified as a Variant of Uncertain Significance.

NM_001142800.2(EYS):c.6830C>T (p.Ser2277Phe)

Gene: EYS (eyes shut homolog; minus strand). Cytogenetic location: 6q12.
Variant type: single nucleotide variant.
Coding change: c.6830C>T on transcript NM_001142800.2 (MANE Select); coding-DNA position 6830, C replaced by T.
Protein change: p.Ser2277Phe; replaces serine 2277 with phenylalanine.
Molecular consequence: missense variant.
Genome position (GRCh38, 1-based): chr6:63,999,079, G>A on the plus strand (C>T on the coding strand, the complement: EYS is on the minus strand). VCF-style: chr6-63999079-G-A. GRCh37 (hg19) VCF-style: chr6-64708972-G-A.
Other names: c.6830C>T, p.Ser2277Phe (NM_001292009.2); short protein forms S2277F.
Identifiers: ClinVar variation 1347015 (VCV001347015.5), dbSNP rs1323615607, ClinGen allele CA364389449.